The following is an entry in ClinVar:

ClinVar aggregate classification (germline): Uncertain significance (1 of 4 stars; one submission).

Allele frequency attached by ClinVar (database versions not stated): gnomAD 0.00001; gnomAD exomes 0.00001; TOPMed 0.00002.
gnomAD v4.1: 20 of 1,614,034 alleles (0.0012%); highest among the groups gnomAD compares: Non-Finnish European, 0.0015%; no homozygotes.

Submission:

Labcorp Genetics (formerly Invitae), Labcorp
Classification: Uncertain significance. Last evaluated: 2023-11-27. Review status: criteria provided, single submitter. Criteria: Invitae Variant Classification Sherloc (09022015). Collection method: clinical testing. Allele origin: germline.
Comment: This sequence change replaces threonine, which is neutral and polar, with alanine, which is neutral and non-polar, at codon 501 of the P3H2 protein (p.Thr501Ala). The frequency data for this variant in the population databases is considered unreliable, as metrics indicate poor data quality at this position in the gnomAD database. This variant has not been reported in the literature in individuals affected with P3H2-related conditions. ClinVar contains an entry for this variant (Variation ID: 933336). Advanced modeling of protein sequence and biophysical properties (such as structural, functional, and spatial information, amino acid conservation, physicochemical variation, residue mobility, and thermodynamic stability) performed at Invitae indicates that this missense variant is expected to disrupt P3H2 protein function with a positive predictive value of 80%. In summary, the available evidence is currently insufficient to determine the role of this variant in disease. Therefore, it has been classified as a Variant of Uncertain Significance.

NM_018192.4(P3H2):c.1501A>G (p.Thr501Ala)

Gene: P3H2 (prolyl 3-hydroxylase 2; minus strand). Cytogenetic location: 3q28.
Variant type: single nucleotide variant.
Coding change: c.1501A>G on transcript NM_018192.4 (MANE Select); coding-DNA position 1501, A replaced by G.
Protein change: p.Thr501Ala; replaces threonine 501 with alanine.
Molecular consequence: missense variant.
Genome position (GRCh38, 1-based): chr3:189,973,956, T>C on the plus strand (A>G on the coding strand, the complement: P3H2 is on the minus strand). VCF-style: chr3-189973956-T-C. GRCh37 (hg19) VCF-style: chr3-189691745-T-C.
Other names: c.958A>G, p.Thr320Ala (NM_001134418.2); short protein forms T501A, T320A.
Identifiers: ClinVar variation 933336 (VCV000933336.4), dbSNP rs1294582117, ClinGen allele CA355753774.
Genomic context (GRCh38, chr3:189,973,956, plus strand): 5'-GTTAAGACTTTACTTTGAGTGCTTTCAGGACAGTTGCACCTTCAAACTTTTCATTGGGTG[T>C]ATGGGGTGAAGTTTTTCCTCTGTATCCATCACCAACAAGCATGATTCCCTGGAAGCAAAT-3'
Protein context (NP_060662.2, residues 491-511): DGYRGKTSPH[Thr501Ala]PNEKFEGATV